The following is an entry in ClinVar:

ClinVar aggregate classification (germline): Likely pathogenic (1 of 4 stars; one submission).

Conditions:
Autosomal recessive limb-girdle muscular dystrophy type 2J (LGMDR10). Also called: Limb-girdle muscular dystrophy, type 2J; MUSCULAR DYSTROPHY, LIMB-GIRDLE, AUTOSOMAL RECESSIVE 10. Identifiers: Orphanet 140922, MedGen C1837342, MONDO:0012127, OMIM 608807.
Dilated cardiomyopathy 1G (CMD1G). Identifiers: Orphanet 154, MedGen C1858763, MONDO:0011400, OMIM 604145.

Submission:

Labcorp Genetics (formerly Invitae), Labcorp
Classification: Likely pathogenic for Dilated cardiomyopathy 1G; Autosomal recessive limb-girdle muscular dystrophy type 2J. Last evaluated: 2025-02-26. Review status: criteria provided, single submitter. Criteria: Invitae Variant Classification Sherloc (09022015). Collection method: clinical testing. Allele origin: germline.
Comment: This sequence change affects a donor splice site in intron 327 of the TTN gene. It is expected to disrupt RNA splicing and likely results in a truncated or disrupted TTN protein. This variant is not present in population databases (gnomAD no frequency). Disruption of this splice site has been observed in individual(s) with clinical features of peripartum cardiomyopathy (internal data). ClinVar contains an entry for this variant (Variation ID: 2954157). Algorithms developed to predict the effect of sequence changes on RNA splicing suggest that this variant may disrupt the consensus splice site. This variant is located in the A band of TTN (PMID: 25589632). Truncating variants in this region are significantly overrepresented in patients affected with dilated cardiomyopathy (PMID: 25589632). Truncating variants in this region have also been reported in individuals affected with autosomal recessive centronuclear myopathy (PMID: 23975875). In summary, the currently available evidence indicates that the variant is pathogenic, but additional data are needed to prove that conclusively. Therefore, this variant has been classified as Likely Pathogenic.

Literature cited by the submitters: PubMed 25589632; PubMed 23975875.

NM_001267550.2(TTN):c.87118+1G>A

Genes: TTN-AS1 (TTN antisense RNA 1; plus strand), TTN (titin; minus strand). Cytogenetic location: 2q31.2.
Variant type: single nucleotide variant.
Coding change: c.87118+1G>A on transcript NM_001267550.2 (MANE Select); the canonical splice donor site of the intron after coding-DNA position 87118, G replaced by A.
Molecular consequence: splice donor variant.
Genome position (GRCh38, 1-based): chr2:178,558,340, C>T on the plus strand (G>A on the coding strand, the complement: TTN is on the minus strand). VCF-style: chr2-178558340-C-T. GRCh37 (hg19) VCF-style: chr2-179423067-C-T.
Other names: c.59923+1G>A (NM_003319.4); c.60499+1G>A (NM_133437.4); c.60298+1G>A (NM_133432.3); c.79414+1G>A (NM_133378.4); c.82195+1G>A (NM_001256850.1).
Identifiers: ClinVar variation 2954157 (VCV002954157.3), dbSNP rs2469567880, ClinGen allele CA349539168.